The following is an entry in ClinVar:

NM_004523.4(KIF11):c.1996G>A (p.Asp666Asn)

Gene: KIF11 (kinesin family member 11; plus strand). Cytogenetic location: 10q23.33.
Variant type: single nucleotide variant.
Coding change: c.1996G>A on transcript NM_004523.4 (MANE Select); coding-DNA position 1996, G replaced by A.
Protein change: p.Asp666Asn; replaces aspartic acid 666 with asparagine.
Molecular consequence: missense variant.
Genome position (GRCh38, 1-based): chr10:92,637,304, G>A. VCF-style: chr10-92637304-G-A. GRCh37 (hg19) VCF-style: chr10-94397061-G-A.
Other names: short protein forms D666N.
Identifiers: ClinVar variation 728092 (VCV000728092.13), dbSNP rs201047452, ClinGen allele CA5604295.
Genomic context (GRCh38, chr10:92,637,304, plus strand): 5'-TCTATACTGAAAATCAATAGTCAACTAAAGCATATTTTCAAGACTTCATTGACAGTGGCC[G>A]ATAAGGTAACAAATGCTATGTTCTTAATATCTCAAAATTGATGTGTTGTTTAAGAAGGAA-3'
Protein context (NP_004514.2, residues 656-676): HIFKTSLTVA[Asp666Asn]KIEDQKKELD

ClinVar aggregate classification (germline): Benign/Likely benign. Review status: criteria provided, multiple submitters, no conflicts (2 of 4 stars). 6 submissions from 6 submitters: Benign (1); Likely benign (5). Last evaluated 2026-09-01.

Conditions:
KIF11-related disorder. Also called: KIF11-related condition.
Inborn genetic diseases. Identifiers: MedGen C0950123, MeSH D030342.

Allele frequency attached by ClinVar (database versions not stated): gnomAD exomes 0.00005 and 0.00024; ExAC 0.00007; ESP Exome Variant Server 0.00008; gnomAD 0.00050 and 0.00052; TOPMed 0.00052.
gnomAD v4.1: 154 of 1,592,728 alleles (0.0097%); highest among the groups gnomAD compares: Admixed American, 0.24%; 2 homozygotes.

Submissions (6):

CeGaT Center for Human Genetics Tuebingen
Classification: Likely benign. Last evaluated: 2026-09-01. Review status: criteria provided, single submitter. Criteria: CeGaT Center For Human Genetics Tuebingen Variant Classification Criteria Version 2. Collection method: clinical testing. Allele origin: germline. Affected: yes. Observed: 1 variant allele.
Comment: KIF11: BP4, BS1

Labcorp Genetics (formerly Invitae), Labcorp
Classification: Likely benign. Last evaluated: 2025-11-27. Review status: criteria provided, single submitter. Criteria: Invitae Variant Classification Sherloc (09022015). Collection method: clinical testing. Allele origin: germline.

PreventionGenetics, part of Exact Sciences
Classification: Likely benign for KIF11-related condition. Last evaluated: 2024-11-10. Review status: criteria provided, single submitter. Criteria: ACMG Guidelines, 2015. Collection method: clinical testing. Allele origin: germline.
Comment: This variant is classified as likely benign based on ACMG/AMP sequence variant interpretation guidelines (Richards et al. 2015 PMID: 25741868, with internal and published modifications).

Ambry Genetics
Classification: Likely benign for Inborn genetic diseases. Last evaluated: 2022-09-16. Review status: criteria provided, single submitter. Criteria: Ambry Variant Classification Scheme 2023. Collection method: clinical testing. Allele origin: germline.

Blueprint Genetics
Classification: Likely benign. Last evaluated: 2022-01-11. Review status: criteria provided, single submitter. Criteria: ACMG Guidelines, 2015. Collection method: clinical testing. Allele origin: germline.

GeneDx
Classification: Benign. Last evaluated: 2021-05-12. Review status: criteria provided, single submitter. Criteria: GeneDx Variant Classification Process June 2021. Collection method: clinical testing. Allele origin: germline. Affected: yes.